The following is an entry in ClinVar:

NM_016239.4(MYO15A):c.1423C>T (p.Arg475Cys)

Gene: MYO15A (myosin XVA; plus strand). Cytogenetic location: 17p11.2.
Variant type: single nucleotide variant.
Coding change: c.1423C>T on transcript NM_016239.4 (MANE Select); coding-DNA position 1423, C replaced by T.
Protein change: p.Arg475Cys; replaces arginine 475 with cysteine.
Molecular consequence: missense variant.
Genome position (GRCh38, 1-based): chr17:18,120,223, C>T. VCF-style: chr17-18120223-C-T. GRCh37 (hg19) VCF-style: chr17-18023537-C-T.
Other names: short protein forms R475C.
Identifiers: ClinVar variation 1375363 (VCV001375363.6), dbSNP rs2142246407, ClinGen allele CA398579306.
Genomic context (GRCh38, chr17:18,120,223, plus strand): 5'-GCCGCCTTCTTCGAGCAGCAAGGCATGGATAAGCCCGCCAGGTCCAAGCTGTCCCTCATC[C>T]GCAAGTTCCGCCTCTTCCCGCGACCCCAGGTGAAGCTGTTTGGGAAGGAGAAGCTGGAGG-3'
Protein context (NP_057323.3, residues 465-485): KPARSKLSLI[Arg475Cys]KFRLFPRPQV

ClinVar aggregate classification (germline): Uncertain significance (1 of 4 stars; one submission).

Allele frequency attached by ClinVar (database versions not stated): gnomAD exomes 0.00001.

Submission:

Labcorp Genetics (formerly Invitae), Labcorp
Classification: Uncertain significance. Last evaluated: 2024-12-03. Review status: criteria provided, single submitter. Criteria: Invitae Variant Classification Sherloc (09022015). Collection method: clinical testing. Allele origin: germline.
Comment: This sequence change replaces arginine, which is basic and polar, with cysteine, which is neutral and slightly polar, at codon 475 of the MYO15A protein (p.Arg475Cys). This variant is not present in population databases (gnomAD no frequency). This variant has not been reported in the literature in individuals affected with MYO15A-related conditions. ClinVar contains an entry for this variant (Variation ID: 1375363). Invitae Evidence Modeling of protein sequence and biophysical properties (such as structural, functional, and spatial information, amino acid conservation, physicochemical variation, residue mobility, and thermodynamic stability) indicates that this missense variant is not expected to disrupt MYO15A protein function with a negative predictive value of 95%. In summary, the available evidence is currently insufficient to determine the role of this variant in disease. Therefore, it has been classified as a Variant of Uncertain Significance.